The following is an entry in ClinVar:

ClinVar aggregate classification (germline): Uncertain significance (1 of 4 stars; one submission).

Conditions:
Hypertrophic cardiomyopathy 14. Identifiers: MedGen C2750467, MONDO:0013197, OMIM 613251.

Submission:

Labcorp Genetics (formerly Invitae), Labcorp
Classification: Uncertain significance for Hypertrophic cardiomyopathy 14. Last evaluated: 2024-05-21. Review status: criteria provided, single submitter. Criteria: Invitae Variant Classification Sherloc (09022015). Collection method: clinical testing. Allele origin: germline.
Comment: This sequence change replaces lysine, which is basic and polar, with arginine, which is basic and polar, at codon 1670 of the MYH6 protein (p.Lys1670Arg). This variant is not present in population databases (gnomAD no frequency). This variant has not been reported in the literature in individuals affected with MYH6-related conditions. Advanced modeling of protein sequence and biophysical properties (such as structural, functional, and spatial information, amino acid conservation, physicochemical variation, residue mobility, and thermodynamic stability) performed at Invitae indicates that this missense variant is not expected to disrupt MYH6 protein function with a negative predictive value of 80%. In summary, the available evidence is currently insufficient to determine the role of this variant in disease. Therefore, it has been classified as a Variant of Uncertain Significance.

NM_002471.4(MYH6):c.5009A>G (p.Lys1670Arg)

Genes: MYH6 (myosin heavy chain 6; minus strand), LOC126861896 (BRD4-independent group 4 enhancer GRCh37_chr14:23854904-23856103; plus strand). Cytogenetic location: 14q11.2.
Variant type: single nucleotide variant.
Coding change: c.5009A>G on transcript NM_002471.4 (MANE Select); coding-DNA position 5009, A replaced by G.
Protein change: p.Lys1670Arg; replaces lysine 1670 with arginine.
Molecular consequence: missense variant.
Genome position (GRCh38, 1-based): chr14:23,386,082, T>C on the plus strand (A>G on the coding strand, the complement: MYH6 is on the minus strand). VCF-style: chr14-23386082-T-C. GRCh37 (hg19) VCF-style: chr14-23855291-T-C.
Other names: short protein forms K1670R.
Identifiers: ClinVar variation 3653970 (VCV003653970.2).